The following is an entry in ClinVar:

ClinVar aggregate classification (germline): Uncertain significance (1 of 4 stars; one submission).

Conditions:
ATR-X-related syndrome. Identifiers: MedGen CN257940, MONDO:0016980.

Submission:

Victorian Clinical Genetics Services, Murdoch Childrens Research Institute
Classification: Uncertain significance for ATR-X-related syndrome. Last evaluated: 2024-10-09. Review status: criteria provided, single submitter. Criteria: ACMG Guidelines, 2015. Collection method: clinical testing. Allele origin: germline. Inheritance: X-linked inheritance. Affected: yes.
Comment: Based on the classification scheme VCGS_Germline_v1.3.4, this variant is classified as VUS-3A. Following criteria are met: 0102 - Loss of function is a known mechanism of disease in this gene and is associated with ATRX-related conditions. (I) 0108 - This gene is associated with both X-linked recessive and dominant disease. Carrier females may be asymptomatic, or affected with alpha-thalassaemia syndrome (OMIM). (I) 0115 - Variants in this gene are known to have variable expressivity. Variable severity and phenotypes have been observed among individuals with the same variant (PMIDs: 24805811, 23820649, 21029860). (I) 0200 - Variant is predicted to result in a missense amino acid change from valine to alanine. (I) 0251 - This variant is heterozygous. (I) 0301 - Variant is absent from gnomAD (both v2 and v3). (SP) 0502 - Missense variant with conflicting in silico predictions and high conservation. (I) 0603 - Missense variant in a region that is highly intolerant to missense variation (high constraint region in DECIPHER). (SP) 0705 - No comparable missense variants have previous evidence for pathogenicity. (I) 0807 - This variant has no previous evidence of pathogenicity. (I) 0905 - No published segregation evidence has been identified for this variant. (I) 1007 - No published functional evidence has been identified for this variant. (I) 1208 - Inheritance information for this variant is not currently available in this individual. (I) Legend: (SP) - Supporting pathogenic, (I) - Information, (SB) - Supporting benign

Literature cited by the submitters: PubMed 21029860; PubMed 23820649; PubMed 24805811.

NM_000489.6(ATRX):c.5870T>C (p.Val1957Ala)

Gene: ATRX (ATRX chromatin remodeler; minus strand). Cytogenetic location: Xq21.1.
Variant type: single nucleotide variant.
Coding change: c.5870T>C on transcript NM_000489.6 (MANE Select); coding-DNA position 5870, T replaced by C.
Protein change: p.Val1957Ala; replaces valine 1957 with alanine.
Molecular consequence: missense variant.
Genome position (GRCh38, 1-based): chrX:77,599,497, A>G on the plus strand (T>C on the coding strand, the complement: ATRX is on the minus strand). VCF-style: chrX-77599497-A-G. GRCh37 (hg19) VCF-style: chrX-76854966-A-G.
Other names: c.5756T>C, p.Val1919Ala (NM_138270.5); short protein forms V1919A, V1957A.
Identifiers: ClinVar variation 3377336 (VCV003377336.1).